The following is an entry in ClinVar:

NM_002439.5(MSH3):c.1045A>C (p.Lys349Gln)

Gene: MSH3 (mutS homolog 3; plus strand). Cytogenetic location: 5q14.1.
Variant type: single nucleotide variant.
Coding change: c.1045A>C on transcript NM_002439.5 (MANE Select); coding-DNA position 1045, A replaced by C.
Protein change: p.Lys349Gln; replaces lysine 349 with glutamine.
Molecular consequence: missense variant.
Genome position (GRCh38, 1-based): chr5:80,675,000, A>C. VCF-style: chr5-80675000-A-C. GRCh37 (hg19) VCF-style: chr5-79970819-A-C.
Other names: short protein forms K349Q.
Identifiers: ClinVar variation 3398731 (VCV003398731.1).

ClinVar aggregate classification (germline): Uncertain significance (1 of 4 stars; one submission).

Conditions:
Hereditary cancer-predisposing syndrome. Also called: Hereditary Cancer Syndrome; Tumor predisposition; Hereditary neoplastic syndrome; Neoplastic Syndromes, Hereditary. Identifiers: Orphanet 140162, MedGen C0027672, MeSH D009386, MONDO:0015356.

Submission:

Ambry Genetics
Classification: Uncertain significance for Hereditary cancer-predisposing syndrome. Last evaluated: 2024-09-25. Review status: criteria provided, single submitter. Criteria: Ambry Variant Classification Scheme 2023. Collection method: clinical testing. Allele origin: germline.
Comment: The p.K349Q variant (also known as c.1045A>C), located in coding exon 7 of the MSH3 gene, results from an A to C substitution at nucleotide position 1045. The lysine at codon 349 is replaced by glutamine, an amino acid with similar properties. This amino acid position is conserved. In addition, this alteration is predicted to be tolerated by in silico analysis. Based on the available evidence, the clinical significance of this variant remains unclear.